The following is an entry in ClinVar:

NM_005094.4(SLC27A4):c.1118G>A (p.Ser373Asn)

Gene: SLC27A4 (solute carrier family 27 member 4; plus strand). Cytogenetic location: 9q34.11.
Variant type: single nucleotide variant.
Coding change: c.1118G>A on transcript NM_005094.4 (MANE Select); coding-DNA position 1118, G replaced by A.
Protein change: p.Ser373Asn; replaces serine 373 with asparagine.
Molecular consequence: missense variant.
Genome position (GRCh38, 1-based): chr9:128,353,155, G>A. VCF-style: chr9-128353155-G-A. GRCh37 (hg19) VCF-style: chr9-131115434-G-A.
Other names: short protein forms S373N.
Identifiers: ClinVar variation 1912207 (VCV001912207.2), dbSNP rs1439455555, ClinGen allele CA375034543.

ClinVar aggregate classification (germline): Uncertain significance (1 of 4 stars; one submission).

Allele frequency attached by ClinVar (database versions not stated): gnomAD 0.00001; gnomAD exomes 0.00001; TOPMed 0.00001.

Submission:

Labcorp Genetics (formerly Invitae), Labcorp
Classification: Uncertain significance. Last evaluated: 2022-06-29. Review status: criteria provided, single submitter. Criteria: Invitae Variant Classification Sherloc (09022015). Collection method: clinical testing. Allele origin: germline.
Comment: This sequence change replaces serine, which is neutral and polar, with asparagine, which is neutral and polar, at codon 373 of the SLC27A4 protein (p.Ser373Asn). This variant is present in population databases (no rsID available, gnomAD 0.009%). This variant has not been reported in the literature in individuals affected with SLC27A4-related conditions. Algorithms developed to predict the effect of missense changes on protein structure and function output the following: SIFT: "Tolerated"; PolyPhen-2: "Benign"; Align-GVGD: "Class C0". The asparagine amino acid residue is found in multiple mammalian species, which suggests that this missense change does not adversely affect protein function. Algorithms developed to predict the effect of sequence changes on RNA splicing suggest that this variant may create or strengthen a splice site. In summary, the available evidence is currently insufficient to determine the role of this variant in disease. Therefore, it has been classified as a Variant of Uncertain Significance.